The following is an entry in ClinVar:

NM_030777.4(SLC2A10):c.1512G>A (p.Ser504=)

Gene: SLC2A10 (solute carrier family 2 member 10; plus strand). Cytogenetic location: 20q13.12.
Variant type: single nucleotide variant.
Coding change: c.1512G>A on transcript NM_030777.4 (MANE Select); coding-DNA position 1512, G replaced by A.
Protein change: p.Ser504=; no amino-acid change (serine 504 retained).
Molecular consequence: synonymous variant.
Genome position (GRCh38, 1-based): chr20:46,729,453, G>A. VCF-style: chr20-46729453-G-A. GRCh37 (hg19) VCF-style: chr20-45358092-G-A.
Other names: p.S504S:TCG>TCA; p.Ser504=.
Identifiers: ClinVar variation 139176 (VCV000139176.74), dbSNP rs117587497, ClinGen allele CA293554.

ClinVar aggregate classification (germline): Conflicting classifications of pathogenicity. Review status: criteria provided, conflicting classifications (1 of 4 stars). 14 submissions from 14 submitters: Uncertain significance (1); Benign (5); Likely benign (6). 2 of the submissions do not count toward it. Last evaluated 2026-07-01.

Conditions:
Familial thoracic aortic aneurysm and aortic dissection (TAAD). Also called: Thoracic aortic aneurysms and dissections. Identifiers: Orphanet 91387, MedGen C4707243, MONDO:0019625.
Arterial tortuosity syndrome (ATORS). Identifiers: Orphanet 3342, MedGen C1859726, MONDO:0008818, OMIM 208050.

Allele frequency attached by ClinVar (database versions not stated): ESP Exome Variant Server 0.00092; 1000 Genomes Project 0.00100; 1000 Genomes Project 30x 0.00109; TOPMed 0.00125; gnomAD 0.00127 and 0.00128; gnomAD exomes 0.00127 and 0.00143; ExAC 0.00138.
gnomAD v4.1: 2,127 of 1,613,958 alleles (0.13%); highest among the groups gnomAD compares: Middle Eastern, 0.96%; 5 homozygotes.

Submissions (14):

CeGaT Center for Human Genetics Tuebingen
Classification: Likely benign. Last evaluated: 2026-07-01. Review status: criteria provided, single submitter. Criteria: CeGaT Center For Human Genetics Tuebingen Variant Classification Criteria Version 2. Collection method: clinical testing. Allele origin: germline. Affected: yes. Observed: 11 variant alleles.
Comment: SLC2A10: BP4, BP7

Labcorp Genetics (formerly Invitae), Labcorp
Classification: Benign for Arterial tortuosity syndrome. Last evaluated: 2026-02-02. Review status: criteria provided, single submitter. Criteria: Invitae Variant Classification Sherloc (09022015). Collection method: clinical testing. Allele origin: germline.

ARUP Laboratories, Molecular Genetics and Genomics, ARUP Laboratories
Classification: Benign for Arterial tortuosity syndrome. Last evaluated: 2025-05-19. Review status: criteria provided, single submitter. Criteria: ARUP Molecular Germline Variant Investigation Process 2024. Collection method: clinical testing. Allele origin: germline.

Molecular Diagnostic Laboratory for Inherited Cardiovascular Disease, Montreal Heart Institute
Classification: Likely benign. Last evaluated: 2025-04-09. Review status: criteria provided, single submitter. Criteria: ACMG Guidelines, 2015. Collection method: clinical testing. Allele origin: germline. Affected: no.

Blueprint Genetics
Classification: Likely benign. Last evaluated: 2024-11-27. Review status: criteria provided, single submitter. Criteria: ACMG Guidelines, 2015. Collection method: clinical testing. Allele origin: germline.

Mayo Clinic Laboratories, Mayo Clinic
Classification: Benign. Last evaluated: 2023-05-04. Review status: criteria provided, single submitter. Criteria: ACMG Guidelines, 2015. Collection method: clinical testing. Allele origin: germline. Observed: 21 variant alleles.
Comment: BS1, BS2, BP4, BP7

Women's Health and Genetics/Laboratory Corporation of America, LabCorp
Classification: Likely benign. Last evaluated: 2020-12-21. Review status: criteria provided, single submitter. Criteria: LabCorp Variant Classification Summary - May 2015. Collection method: clinical testing. Allele origin: germline.

Illumina Laboratory Services, Illumina
Classification: Uncertain significance for Arterial tortuosity syndrome. Last evaluated: 2018-01-12. Review status: criteria provided, single submitter. Criteria: ICSL Variant Classification Criteria 13 December 2019. Collection method: clinical testing. Allele origin: germline.

CHEO Genetics Diagnostic Laboratory, Children's Hospital of Eastern Ontario
Classification: Benign for Familial thoracic aortic aneurysm and aortic dissection. Last evaluated: 2017-11-03. Review status: criteria provided, single submitter. Criteria: ACMG Guidelines, 2015. Collection method: clinical testing. Allele origin: germline.

Clinical Genetics DNA and cytogenetics Diagnostics Lab, Erasmus MC, Erasmus Medical Center
Classification: Likely benign for Arterial tortuosity syndrome. Last evaluated: 2017-06-28. Review status: criteria provided, single submitter. Criteria: ACGS Guidelines, 2013. Collection method: clinical testing. Allele origin: germline. Affected: yes. Study: VKGL Data-share Consensus.

Ambry Genetics
Classification: Likely benign for Familial thoracic aortic aneurysm and aortic dissection. Last evaluated: 2015-03-02. Review status: criteria provided, single submitter. Criteria: Ambry Variant Classification Scheme 2023. Collection method: clinical testing. Allele origin: germline.

GeneDx
Classification: Benign. Last evaluated: 2013-04-15. Review status: criteria provided, single submitter. Criteria: GeneDx Variant Classification (06012015). Collection method: clinical testing. Allele origin: germline. Affected: yes.
Comment: This variant is considered likely benign or benign based on one or more of the following criteria: it is a conservative change, it occurs at a poorly conserved position in the protein, it is predicted to be benign by multiple in silico algorithms, and/or has population frequency not consistent with disease.

Genome Diagnostics Laboratory, Amsterdam University Medical Center
Classification: Likely benign for Arterial tortuosity syndrome. Last evaluated: 2014-12-14. Review status: no assertion criteria provided. Criteria: ACGS Guidelines, 2013. Collection method: clinical testing. Allele origin: germline. Affected: yes. Study: VKGL Data-share Consensus. Not counted in ClinVar's aggregate classification.

Genome Diagnostics Laboratory, University Medical Center Utrecht
Classification: Likely benign. Review status: no assertion criteria provided. Collection method: clinical testing. Allele origin: germline. Affected: yes. Study: VKGL Data-share Consensus. Not counted in ClinVar's aggregate classification.